The following is an entry in ClinVar:

NM_002047.4(GARS1):c.1720G>A (p.Val574Ile)

Gene: GARS1 (glycyl-tRNA synthetase 1; plus strand). Cytogenetic location: 7p14.3.
Variant type: single nucleotide variant.
Coding change: c.1720G>A on transcript NM_002047.4 (MANE Select); coding-DNA position 1720, G replaced by A.
Protein change: p.Val574Ile; replaces valine 574 with isoleucine.
Molecular consequence: missense variant.
Genome position (GRCh38, 1-based): chr7:30,628,580, G>A. VCF-style: chr7-30628580-G-A. GRCh37 (hg19) VCF-style: chr7-30668196-G-A.
Other names: c.1558G>A, p.Val520Ile (NM_001316772.1); short protein forms V520I, V574I.
Identifiers: ClinVar variation 2810314 (VCV002810314.3), dbSNP rs2534331790, ClinGen allele CA367129539.

ClinVar aggregate classification (germline): Uncertain significance (1 of 4 stars; one submission).

Conditions:
Charcot-Marie-Tooth disease type 2. Also called: Charcot-Marie-Tooth type 2. Identifiers: Orphanet 64746, MedGen C0270914, MONDO:0018993.

Submission:

Labcorp Genetics (formerly Invitae), Labcorp
Classification: Uncertain significance for Charcot-Marie-Tooth disease type 2. Last evaluated: 2023-03-07. Review status: criteria provided, single submitter. Criteria: Invitae Variant Classification Sherloc (09022015). Collection method: clinical testing. Allele origin: germline.
Comment: In summary, the available evidence is currently insufficient to determine the role of this variant in disease. Therefore, it has been classified as a Variant of Uncertain Significance. Advanced modeling of protein sequence and biophysical properties (such as structural, functional, and spatial information, amino acid conservation, physicochemical variation, residue mobility, and thermodynamic stability) has been performed at Invitae for this missense variant, however the output from this modeling did not meet the statistical confidence thresholds required to predict the impact of this variant on GARS protein function. This variant has not been reported in the literature in individuals affected with GARS-related conditions. This variant is not present in population databases (gnomAD no frequency). This sequence change replaces valine, which is neutral and non-polar, with isoleucine, which is neutral and non-polar, at codon 574 of the GARS protein (p.Val574Ile).